The following is an entry in ClinVar:

ClinVar aggregate classification (germline): Benign. Review status: criteria provided, multiple submitters, no conflicts (2 of 4 stars). 3 submissions from 3 submitters: Benign (2). 1 of the submissions does not count toward it. Last evaluated 2025-10-23.

Conditions:
SLIT2-related disorder. Also called: SLIT2-related condition.

Allele frequency attached by ClinVar (database versions not stated): ESP Exome Variant Server 0.00131; TOPMed 0.00172; 1000 Genomes Project 0.00180; 1000 Genomes Project 30x 0.00156.
gnomAD v4.1: 731 of 1,614,002 alleles (0.045%); highest among the groups gnomAD compares: African/African-American, 0.57%; 2 homozygotes.

Submissions (3):

Labcorp Genetics (formerly Invitae), Labcorp
Classification: Benign. Last evaluated: 2025-10-23. Review status: criteria provided, single submitter. Criteria: Invitae Variant Classification Sherloc (09022015). Collection method: clinical testing. Allele origin: germline.

Breakthrough Genomics
Classification: Benign. Review status: criteria provided, single submitter. Criteria: ACMG Guidelines, 2015. Collection method: not provided. Allele origin: germline. Inheritance: Unknown mechanism. Affected: yes.

PreventionGenetics, part of Exact Sciences
Classification: Likely benign for SLIT2-related condition. Last evaluated: 2019-07-10. Review status: no assertion criteria provided. Collection method: clinical testing. Allele origin: germline. Not counted in ClinVar's aggregate classification.
Comment: This variant is classified as likely benign based on ACMG/AMP sequence variant interpretation guidelines (Richards et al. 2015 PMID: 25741868, with internal and published modifications).

NM_004787.4(SLIT2):c.1209A>G (p.Leu403=)

Gene: SLIT2 (slit guidance ligand 2; plus strand). Cytogenetic location: 4p15.31.
Variant type: single nucleotide variant.
Coding change: c.1209A>G on transcript NM_004787.4 (MANE Select); coding-DNA position 1209, A replaced by G.
Protein change: p.Leu403=; no amino-acid change (leucine 403 retained).
Molecular consequence: synonymous variant.
Genome position (GRCh38, 1-based): chr4:20,523,838, A>G. VCF-style: chr4-20523838-A-G. GRCh37 (hg19) VCF-style: chr4-20525461-A-G.
Other names: c.1221A>G, p.Leu407= (NM_001289135.3); c.1209A>G, p.Leu403= (NM_001289136.3).
Identifiers: ClinVar variation 731090 (VCV000731090.11), dbSNP rs34224151, ClinGen allele CA2871387.